The following is an entry in ClinVar:

NM_152564.5(VPS13B):c.9756T>G (p.Phe3252Leu)

Gene: VPS13B (vacuolar protein sorting 13 homolog B; plus strand). Cytogenetic location: 8q22.2.
Variant type: single nucleotide variant.
Coding change: c.9756T>G on transcript NM_152564.5 (MANE Select); coding-DNA position 9756, T replaced by G.
Protein change: p.Phe3252Leu; replaces phenylalanine 3252 with leucine.
Molecular consequence: missense variant.
Genome position (GRCh38, 1-based): chr8:99,835,552, T>G. VCF-style: chr8-99835552-T-G. GRCh37 (hg19) VCF-style: chr8-100847780-T-G.
Other names: c.9831T>G, p.Phe3277Leu (NM_017890.5); c.9831T>G (NM_017890.3); short protein forms F3252L, F3277L.
Identifiers: ClinVar variation 2086240 (VCV002086240.3), dbSNP rs758710347, ClinGen allele CA182339584.

ClinVar aggregate classification (germline): Uncertain significance. Review status: criteria provided, multiple submitters, no conflicts (2 of 4 stars). 2 submissions from 2 submitters: Uncertain significance (2). Last evaluated 2026-01-05.

Conditions:
Inborn genetic diseases. Identifiers: MedGen C0950123, MeSH D030342.
Cohen syndrome (COH1). Also called: PEPPER SYNDROME; Cutis verticis gyrata, retinitis pigmentosa, and sensorineural deafness. Identifiers: Orphanet 193, MedGen C0265223, MONDO:0008999, OMIM 216550.

Allele frequency attached by ClinVar (database versions not stated): TOPMed 0.00006; gnomAD 0.00010.
gnomAD v4.1: 22 of 1,614,048 alleles (0.0014%); highest among the groups gnomAD compares: Admixed American, 0.037%; no homozygotes.

Submissions (2):

Labcorp Genetics (formerly Invitae), Labcorp
Classification: Uncertain significance for Cohen syndrome. Last evaluated: 2026-01-05. Review status: criteria provided, single submitter. Criteria: Invitae Variant Classification Sherloc (09022015). Collection method: clinical testing. Allele origin: germline.
Comment: This sequence change replaces phenylalanine, which is neutral and non-polar, with leucine, which is neutral and non-polar, at codon 3277 of the VPS13B protein (p.Phe3277Leu). This variant is present in population databases (no rsID available, gnomAD 0.02%). This variant has not been reported in the literature in individuals affected with VPS13B-related conditions. ClinVar contains an entry for this variant (Variation ID: 2086240). Invitae Evidence Modeling of protein sequence and biophysical properties (such as structural, functional, and spatial information, amino acid conservation, physicochemical variation, residue mobility, and thermodynamic stability) indicates that this missense variant is not expected to disrupt VPS13B protein function with a negative predictive value of 80%. In summary, the available evidence is currently insufficient to determine the role of this variant in disease. Therefore, it has been classified as a Variant of Uncertain Significance.

Ambry Genetics
Classification: Uncertain significance for Inborn genetic diseases. Last evaluated: 2025-11-20. Review status: criteria provided, single submitter. Criteria: Ambry Variant Classification Scheme 2023. Collection method: clinical testing. Allele origin: germline.